The following is an entry in ClinVar:

ClinVar aggregate classification (germline): Uncertain significance (1 of 4 stars; one submission).

Conditions:
Combined immunodeficiency due to LRBA deficiency. Also called: Common variable immunodeficiency 8, with autoimmunity. Identifiers: Orphanet 445018, MedGen C3553512, MONDO:0013863, OMIM 614700.

Allele frequency attached by ClinVar (database versions not stated): gnomAD exomes below 0.00001.
gnomAD v4.1: 4 of 1,612,174 alleles (0.00025%); highest among the groups gnomAD compares: Non-Finnish European, 0.00025%; no homozygotes.

Submission:

Labcorp Genetics (formerly Invitae), Labcorp
Classification: Uncertain significance for Combined immunodeficiency due to LRBA deficiency. Last evaluated: 2021-11-04. Review status: criteria provided, single submitter. Criteria: Invitae Variant Classification Sherloc (09022015). Collection method: clinical testing. Allele origin: germline.
Comment: This sequence change replaces lysine, which is basic and polar, with asparagine, which is neutral and polar, at codon 2117 of the LRBA protein (p.Lys2117Asn). In summary, the available evidence is currently insufficient to determine the role of this variant in disease. Therefore, it has been classified as a Variant of Uncertain Significance. Algorithms developed to predict the effect of missense changes on protein structure and function output the following: SIFT: "Tolerated"; PolyPhen-2: "Benign"; Align-GVGD: "Class C0". The asparagine amino acid residue is found in multiple mammalian species, which suggests that this missense change does not adversely affect protein function. This variant has not been reported in the literature in individuals affected with LRBA-related conditions. This variant is not present in population databases (gnomAD no frequency).

NM_001364905.1(LRBA):c.6318A>T (p.Lys2106Asn)

Gene: LRBA (LPS responsive beige-like anchor protein; minus strand). Cytogenetic location: 4q31.3.
Variant type: single nucleotide variant.
Coding change: c.6318A>T on transcript NM_001364905.1 (MANE Select); coding-DNA position 6318, A replaced by T.
Protein change: p.Lys2106Asn; replaces lysine 2106 with asparagine.
Molecular consequence: missense variant.
Genome position (GRCh38, 1-based): chr4:150,588,060, T>A on the plus strand (A>T on the coding strand, the complement: LRBA is on the minus strand). VCF-style: chr4-150588060-T-A. GRCh37 (hg19) VCF-style: chr4-151509212-T-A.
Other names: c.6318A>T, p.Lys2106Asn (NM_001199282.3, NM_001367550.1); c.6351A>T, p.Lys2117Asn (NM_006726.5); short protein forms K2117N, K2106N.
Identifiers: ClinVar variation 1424527 (VCV001424527.6), dbSNP rs1561393233, ClinGen allele CA358604851.